The following is an entry in ClinVar:

ClinVar aggregate classification (germline): Uncertain significance (1 of 4 stars; one submission).

Allele frequency attached by ClinVar (database versions not stated): gnomAD exomes below 0.00001; TOPMed below 0.00001; ExAC 0.00001.
gnomAD v4.1: 1 of 1,614,252 alleles (0.000062%); highest among the groups gnomAD compares: Admixed American, 0.0017%; no homozygotes.

Submission:

Labcorp Genetics (formerly Invitae), Labcorp
Classification: Uncertain significance. Last evaluated: 2023-07-10. Review status: criteria provided, single submitter. Criteria: Invitae Variant Classification Sherloc (09022015). Collection method: clinical testing. Allele origin: germline.
Comment: ClinVar contains an entry for this variant (Variation ID: 1428369). This sequence change replaces isoleucine, which is neutral and non-polar, with phenylalanine, which is neutral and non-polar, at codon 684 of the PCARE protein (p.Ile684Phe). This variant is present in population databases (rs762336190, gnomAD 0.003%). This variant has not been reported in the literature in individuals affected with PCARE-related conditions. An algorithm developed to predict the effect of missense changes on protein structure and function (PolyPhen-2) suggests that this variant is likely to be disruptive. In summary, the available evidence is currently insufficient to determine the role of this variant in disease. Therefore, it has been classified as a Variant of Uncertain Significance.

NM_001029883.3(PCARE):c.2050A>T (p.Ile684Phe)

Gene: PCARE (photoreceptor cilium actin regulator; minus strand). Cytogenetic location: 2p23.2.
Variant type: single nucleotide variant.
Coding change: c.2050A>T on transcript NM_001029883.3 (MANE Select); coding-DNA position 2050, A replaced by T.
Protein change: p.Ile684Phe; replaces isoleucine 684 with phenylalanine.
Molecular consequence: missense variant.
Genome position (GRCh38, 1-based): chr2:29,072,212, T>A on the plus strand (A>T on the coding strand, the complement: PCARE is on the minus strand). VCF-style: chr2-29072212-T-A. GRCh37 (hg19) VCF-style: chr2-29295078-T-A.
Other names: short protein forms I684F.
Identifiers: ClinVar variation 1428369 (VCV001428369.4), dbSNP rs762336190, ClinGen allele CA1592286.
Genomic context (GRCh38, chr2:29,072,212, plus strand): 5'-TTGGAAGCTTCCCAGCTTTGCCTTGTTCGTCCTCAGGATGGGGATTGCATTTCTGCAAGA[T>A]GCTCTTGTCCTGACTAGGCAAAATACTGAAGTTCTTGGTGAGGGATGCCTTGAGCCTGCT-3'
Protein context (NP_001025054.1, residues 674-694): FSILPSQDKS[Ile684Phe]LQKCNPHPED